The following is an entry in ClinVar:

ClinVar aggregate classification (germline): Uncertain significance (1 of 4 stars; one submission).

Conditions:
Congenital contractural arachnodactyly (CCA). Also called: BEALS SYNDROME; Beals-Hecht syndrome; Arthrogryposis, distal, type 9. Identifiers: Orphanet 115, MedGen C0220668, MONDO:0007363, OMIM 121050.

Submission:

Labcorp Genetics (formerly Invitae), Labcorp
Classification: Uncertain significance for Congenital contractural arachnodactyly. Last evaluated: 2022-06-29. Review status: criteria provided, single submitter. Criteria: Invitae Variant Classification Sherloc (09022015). Collection method: clinical testing. Allele origin: germline.
Comment: This variant has not been reported in the literature in individuals affected with FBN2-related conditions. This variant is not present in population databases (gnomAD no frequency). ClinVar contains an entry for this variant (Variation ID: 860205). Advanced modeling of protein sequence and biophysical properties (such as structural, functional, and spatial information, amino acid conservation, physicochemical variation, residue mobility, and thermodynamic stability) performed at Invitae indicates that this missense variant is expected to disrupt FBN2 protein function. In summary, the available evidence is currently insufficient to determine the role of this variant in disease. Therefore, it has been classified as a Variant of Uncertain Significance. This sequence change replaces cysteine, which is neutral and slightly polar, with serine, which is neutral and polar, at codon 2678 of the FBN2 protein (p.Cys2678Ser).

NM_001999.4(FBN2):c.8033G>C (p.Cys2678Ser)

Gene: FBN2 (fibrillin 2; minus strand). Cytogenetic location: 5q23.3.
Variant type: single nucleotide variant.
Coding change: c.8033G>C on transcript NM_001999.4 (MANE Select); coding-DNA position 8033, G replaced by C.
Protein change: p.Cys2678Ser; replaces cysteine 2678 with serine.
Molecular consequence: missense variant.
Genome position (GRCh38, 1-based): chr5:128,263,584, C>G on the plus strand (G>C on the coding strand, the complement: FBN2 is on the minus strand). VCF-style: chr5-128263584-C-G. GRCh37 (hg19) VCF-style: chr5-127599276-C-G.
Other names: short protein forms C2678S.
Identifiers: ClinVar variation 860205 (VCV000860205.13), dbSNP rs1765038866, ClinGen allele CA360748752.